The following is an entry in ClinVar:

NM_000404.4(GLB1):c.184C>T (p.Arg62Cys)

Gene: GLB1 (galactosidase beta 1; minus strand). Cytogenetic location: 3p22.3.
Variant type: single nucleotide variant.
Coding change: c.184C>T on transcript NM_000404.4 (MANE Select); coding-DNA position 184, C replaced by T.
Protein change: p.Arg62Cys; replaces arginine 62 with cysteine.
Molecular consequence: missense variant.
Genome position (GRCh38, 1-based): chr3:33,072,605, G>A on the plus strand (C>T on the coding strand, the complement: GLB1 is on the minus strand). VCF-style: chr3-33072605-G-A. GRCh37 (hg19) VCF-style: chr3-33114097-G-A.
Other names: p.Arg62Cys; c.94C>T, p.Arg32Cys (NM_001079811.3); c.184C>T, p.Arg62Cys (NM_001135602.3, NM_001393580.1); c.328C>T, p.Arg110Cys (NM_001317040.2); short protein forms R62C, R32C, R110C.
Identifiers: ClinVar variation 2040930 (VCV002040930.3), dbSNP rs755919153, ClinGen allele CA2299773.
Genomic context (GRCh38, chr3:33,072,605, plus strand): 5'-TCTGGATGGCGTTCAGCCCAGCCATCTTCATCTTCAGCAGCCGGTCCTTCCAGTAGAAGC[G>A]GGGCACACGGGAGTAGTGAATGCTTCCTGAGATGTAGCGAAATGGCTGGCCATCCTTGAG-3'
Protein context (NP_000395.3, residues 52-72): SGSIHYSRVP[Arg62Cys]FYWKDRLLKM

ClinVar aggregate classification (germline): Uncertain significance. Review status: criteria provided, multiple submitters, no conflicts (2 of 4 stars). 3 submissions from 3 submitters: Uncertain significance (3). Last evaluated 2025-07-15.

Conditions:
GM1 gangliosidosis type 3. Also called: GM1-GANGLIOSIDOSIS, TYPE III; GANGLIOSIDOSIS, GENERALIZED GM1, ADULT TYPE; GANGLIOSIDOSIS, GENERALIZED GM1, CHRONIC TYPE; GANGLIOSIDOSIS, GENERALIZED GM1, TYPE III; Gangliosidosis, Generalized GM1, Type 3; Beta-galactosidase deficiency. Identifiers: Orphanet 79257, MedGen C0268273, MONDO:0009262, OMIM 230650.
Infantile GM1 gangliosidosis. Also called: Gangliosidosis, Generalized GM1, Type 1; GM1-gangliosidosis, type I; Gangliosidosis, generalized GM1, infantile form; GLB1 deficiency; GM1 gangliosidosis type 1. Identifiers: Orphanet 354, Orphanet 79255, MedGen C0268271, MONDO:0009260, OMIM 230500.
GM1 gangliosidosis type 2. Also called: GM1-GANGLIOSIDOSIS, TYPE II; GANGLIOSIDOSIS, GENERALIZED GM1, JUVENILE TYPE; GANGLIOSIDOSIS, GENERALIZED GM1, TYPE II; Gangliosidosis, Generalized GM1, Type 2; Juvenile GM>1< gangliosidosis. Identifiers: Orphanet 354, Orphanet 79256, MedGen C0268272, MONDO:0009261, OMIM 230600.
Mucopolysaccharidosis, MPS-IV-B (MPS4B). Also called: MORQUIO SYNDROME B; Mucopolysaccharidosis Type IVB (Morquio B Disease); Mucopolysaccharidosis type IV B; Mucopolysaccharidosis Type IVB; Mucopolysaccharidosis type 4B; Mucopolysaccharidosis type IVB (Morquio). Identifiers: Orphanet 309310, Orphanet 582, MedGen C0086652, MONDO:0009660, OMIM 253010.
GM1 gangliosidosis. Identifiers: Orphanet 354, MedGen C0085131, MONDO:0018149.

Allele frequency attached by ClinVar (database versions not stated): ExAC 0.00003; gnomAD 0.00003; TOPMed 0.00004.
gnomAD v4.1: 46 of 1,613,942 alleles (0.0029%); highest among the groups gnomAD compares: Middle Eastern, 0.017%; no homozygotes.

Submissions (3):

Mayo Clinic Laboratories, Mayo Clinic
Classification: Uncertain significance. Last evaluated: 2025-07-15. Review status: criteria provided, single submitter. Criteria: ACMG Guidelines, 2015. Collection method: clinical testing. Allele origin: germline. Observed: 1 variant allele.
Comment: PP3_moderate

Department of Pathology and Laboratory Medicine, Sinai Health System
Classification: Uncertain significance for Infantile GM1 gangliosidosis; GM1 gangliosidosis type 2; GM1 gangliosidosis type 3; Mucopolysaccharidosis, MPS-IV-B. Last evaluated: 2022-12-12. Review status: criteria provided, single submitter. Criteria: ACMG Guidelines, 2015. Collection method: research. Allele origin: germline.

Labcorp Genetics (formerly Invitae), Labcorp
Classification: Uncertain significance for Mucopolysaccharidosis, MPS-IV-B; GM1 gangliosidosis. Last evaluated: 2022-07-08. Review status: criteria provided, single submitter. Criteria: Invitae Variant Classification Sherloc (09022015). Collection method: clinical testing. Allele origin: germline.
Comment: This sequence change replaces arginine, which is basic and polar, with cysteine, which is neutral and slightly polar, at codon 62 of the GLB1 protein (p.Arg62Cys). This variant is present in population databases (rs755919153, gnomAD 0.004%). This variant has not been reported in the literature in individuals affected with GLB1-related conditions. Advanced modeling of protein sequence and biophysical properties (such as structural, functional, and spatial information, amino acid conservation, physicochemical variation, residue mobility, and thermodynamic stability) performed at Invitae indicates that this missense variant is expected to disrupt GLB1 protein function. In summary, the available evidence is currently insufficient to determine the role of this variant in disease. Therefore, it has been classified as a Variant of Uncertain Significance.